The following is an entry in ClinVar:

NM_000169.3(GLA):c.369+1G>A

Genes: GLA (galactosidase alpha; minus strand), RPL36A-HNRNPH2 (RPL36A-HNRNPH2 readthrough; plus strand). Cytogenetic location: Xq22.1.
Variant type: single nucleotide variant.
Coding change: c.369+1G>A on transcript NM_000169.3 (MANE Select); the canonical splice donor site of the intron after coding-DNA position 369, G replaced by A.
Molecular consequence: splice donor variant. On other transcripts: intron variant (2).
Genome position (GRCh38, 1-based): chrX:101,403,810, C>T on the plus strand (G>A on the coding strand, the complement: GLA is on the minus strand). VCF-style: chrX-101403810-C-T. GRCh37 (hg19) VCF-style: chrX-100658798-C-T.
Other names: c.301-8126C>T (NM_001199973.2); c.178-8126C>T (NM_001199974.2); c.492+1G>A (NM_001406747.1, NM_001406749.1); c.369+1G>A (NM_001406748.1).
Identifiers: ClinVar variation 195026 (VCV000195026.10), dbSNP rs797044669, ClinGen allele CA021668.

ClinVar aggregate classification (germline): Pathogenic. Review status: criteria provided, multiple submitters, no conflicts (2 of 4 stars). 4 submissions from 4 submitters: Pathogenic (4). Last evaluated 2026-09-08.

Conditions:
Fabry disease. Also called: Ceramide trihexosidosis; Angiokeratoma corporis diffusum; ALPHA-GALACTOSIDASE A DEFICIENCY; ANDERSON-FABRY DISEASE; Fabry's disease; CERAMIDE TRIHEXOSIDASE DEFICIENCY. Identifiers: Orphanet 324, MedGen C0002986, MONDO:0010526, OMIM 301500, HP:0001071. Disease mechanism: Fabry disease is due to inactivating mutations in the X-linked GLA gene resulting in deficiency of the enzyme Alpha Galactosidase-A., loss of function.

Submissions (4):

Genomenon, Inc
Classification: Pathogenic for Fabry disease. Last evaluated: 2026-09-08. Review status: criteria provided, single submitter. Criteria: Genomenon Sequence Variant Interpretation Standards - Updated. Collection method: curation. Allele origin: germline. Affected: yes.
Comment: GLA c.369+1G>A is a canonical splice variant affecting the donor splice site of intron 2. It is predicted to affect mRNA splicing, leading to a deleterious effect on the GLA protein. This variant has been observed in at least one proband with clinical features consistent with Fabry disease (PMID:31649303;10916280;30038331;39980015;31587315;19346951). Functional or patient cell studies have been reported (PMID:31010832;31649303;32843101;31587315). It is absent or not present at a significant frequency in gnomAD. In conclusion, we classify GLA c.369+1G>A as a pathogenic variant.

Genome-Nilou Lab
Classification: Pathogenic for Fabry disease. Last evaluated: 2021-07-15. Review status: criteria provided, single submitter. Criteria: ACMG Guidelines, 2015. Collection method: clinical testing. Allele origin: germline. Affected: no.

Women's Health and Genetics/Laboratory Corporation of America, LabCorp
Classification: Pathogenic for Fabry disease. Last evaluated: 2021-02-23. Review status: criteria provided, single submitter. Criteria: LabCorp Variant Classification Summary - May 2015. Collection method: clinical testing. Allele origin: germline.
Comment: Variant summary: GLA c.369+1G>A (also known as IVS2+1G>A) is located in a canonical splice-site and is predicted to affect mRNA splicing resulting in a significantly altered protein due to either exon skipping, shortening, or inclusion of intronic material. Several computational tools predict a significant impact on normal splicing: Three predict the variant abolishes a 5' splicing donor site. The variant was absent in 182894 control chromosomes. c.369+1G>A has been reported in the literature in individuals affected with Fabry Disease (Ashton-Prolla_2000, Kobayashi_2019, Kramer_2018, etc). These data indicate that the variant is likely to be associated with disease. At least one publication reports experimental evidence evaluating an impact on protein function and reports the variant to have significantly dimished alpha-Gal activity, and showed chaperone incubation did not result in increased a-Gal activity in immortalised IVS2+1G>A cells (Lenders_2019). One clinical diagnostic laboratory has submitted clinical-significance assessments for this variant to ClinVar after 2014 without evidence for independent evaluation. One laboratory classified the variant as pathogenic. Based on the evidence outlined above, the variant was classified as pathogenic.

Eurofins Ntd Llc (ga)
Classification: Pathogenic. Last evaluated: 2015-04-01. Review status: criteria provided, single submitter. Criteria: EGL Classification Definitions 2015. Collection method: clinical testing. Allele origin: germline. Observed: 1 variant allele, 1 heterozygote.

Literature cited by the submitters: PubMed 31649303 (cited by Genomenon, Inc); PubMed 10916280 (cited by Genomenon, Inc and Women's Health and Genetics/Laboratory Corporation of America, LabCorp); PubMed 30038331 (cited by Genomenon, Inc); PubMed 39980015 (cited by Genomenon, Inc); PubMed 31587315 (cited by Genomenon, Inc); PubMed 19346951 (cited by Genomenon, Inc); PubMed 31010832 (cited by Genomenon, Inc and Women's Health and Genetics/Laboratory Corporation of America, LabCorp); PubMed 32843101 (cited by Genomenon, Inc); PubMed 30988410 (cited by Women's Health and Genetics/Laboratory Corporation of America, LabCorp); PubMed 29186537 (cited by Women's Health and Genetics/Laboratory Corporation of America, LabCorp).